The following is an entry in ClinVar:

ClinVar aggregate classification (germline): Uncertain significance (1 of 4 stars; one submission).

Allele frequency attached by ClinVar (database versions not stated): gnomAD exomes below 0.00001; gnomAD 0.00001.
gnomAD v4.1: 2 of 1,614,092 alleles (0.00012%); highest among the groups gnomAD compares: East Asian, 0.0022%; no homozygotes.

Submission:

GeneDx
Classification: Uncertain significance. Last evaluated: 2013-09-18. Review status: criteria provided, single submitter. Criteria: GeneDx Variant Classification (06012015). Collection method: clinical testing. Allele origin: germline. Affected: yes.
Comment: p.Thr488Ile (ACC>ATC): c.1463 C>T in exon 6 of the CHRNB2 gene (NM_000748.2). The Thr488Ile missense change has not been published as a mutation, nor has it been reported as a benign polymorphism to our knowledge. It was not observed in approximately 6,500 individuals of European and African American ancestry in the NHLBI Exome Sequencing Project, indicating it is not a common benign variant in these populations. This variant is a non-conservative amino acid substitution of a polar Threonine residue with a non-polar Isoleucine residue. However, Thr488Ile alters a poorly conserved position in the CHRNB2 protein and in silico analysis predicts this variant likely has a benign effect on the protein structure/function. Therefore, based on the currently available information, it is unclear whether Thr488Ile is a disease-causing mutation or a rare benign variant. The variant is found in EPILEPSY panel(s).

NM_000748.3(CHRNB2):c.1463C>T (p.Thr488Ile)

Gene: CHRNB2 (cholinergic receptor nicotinic beta 2 subunit; plus strand). Cytogenetic location: 1q21.3.
Variant type: single nucleotide variant.
Coding change: c.1463C>T on transcript NM_000748.3 (MANE Select); coding-DNA position 1463, C replaced by T.
Protein change: p.Thr488Ile; replaces threonine 488 with isoleucine.
Molecular consequence: missense variant.
Genome position (GRCh38, 1-based): chr1:154,575,886, C>T. VCF-style: chr1-154575886-C-T. GRCh37 (hg19) VCF-style: chr1-154548362-C-T.
Other names: p.T488I:ACC>ATC; short protein forms T488I.
Identifiers: ClinVar variation 205076 (VCV000205076.2), dbSNP rs796052328, ClinGen allele CA313669.